The following is an entry in ClinVar:

NM_000388.4(CASR):c.2440TTC[1] (p.Phe815del)

Gene: CASR (calcium sensing receptor; plus strand). Cytogenetic location: 3q21.1.
Variant type: Microsatellite.
Coding change: c.2440TTC[1] on transcript NM_000388.4 (MANE Select); one copy of the 3-base unit TTC starting at c.2440; the reference has two copies in a row; one copy, 3 bases deleted; also written c.2443_2445del.
Protein change: p.Phe815del; deletes phenylalanine 815.
Molecular consequence: inframe deletion.
Genome position (GRCh38, 1-based): chr3:122,284,397-122,284,399, TTC deleted; deleting any 3 consecutive bases within chr3:122,284,392-122,284,399 gives the same sequence; the position shown is the placement nearest the transcript's 3' end. VCF-style (leftmost placement, unchanged base first): chr3-122284391-ATCT-A. GRCh37 (hg19) VCF-style: chr3-122003238-ATCT-A.
Other names: c.2443_2445del (NM_000388.4); c.2443_2445delTTC (NM_000388.4); c.2470TTC[1], p.Phe825del (NM_001178065.2); short protein forms F825del, F815del.
Identifiers: ClinVar variation 2203424 (VCV002203424.6), dbSNP rs2473280121, ClinGen allele CA2580616517.

ClinVar aggregate classification (germline): Pathogenic/Likely pathogenic. Review status: criteria provided, multiple submitters, no conflicts (2 of 4 stars). 3 submissions from 3 submitters: Pathogenic (2); Likely pathogenic (1). Last evaluated 2025-09-24.

Conditions:
Autosomal dominant hypocalcemia 1 (HYPOC1). Also called: HYPOCALCEMIA, FAMILIAL. Identifiers: MedGen C3715128, MONDO:0011013, OMIM 601198.
Familial hypocalciuric hypercalcemia (FHH). Also called: Familial benign hypercalcemia. Identifiers: Orphanet 405, MedGen C1809471, MONDO:0018458.
Autosomal dominant hypocalcemia. Identifiers: Orphanet 428, MedGen C4048195, MONDO:0018543.
Familial hypocalciuric hypercalcemia 1. Also called: Hypercalcemia, familial benign type 1. Identifiers: Orphanet 405, Orphanet 93372, MedGen C0342637, MONDO:0007791, OMIM 145980.

Submissions (3):

Genesolutions, Medical Genetics Institutes, Ho Chi Minh City, Vietnam
Classification: Likely pathogenic for Familial hypocalciuric hypercalcemia 1. Last evaluated: 2025-09-24. Review status: criteria provided, single submitter. Criteria: ACMG Guidelines, 2015. Collection method: clinical testing. Allele origin: germline. Affected: yes.

Women's Health and Genetics/Laboratory Corporation of America, LabCorp
Classification: Pathogenic for Autosomal dominant hypocalcemia. Last evaluated: 2025-07-17. Review status: criteria provided, single submitter. Criteria: LabCorp Variant Classification Summary - May 2015. Collection method: clinical testing. Allele origin: germline.
Comment: Variant summary: CASR c.2443_2445delTTC (p.Phe815del) results in an in-frame deletion that is predicted to remove one amino acids from the encoded protein. The variant was absent in 251356 control chromosomes. c.2443_2445delTTC has been observed in the heterozygous state in multiple individuals affected with Autosomal Dominant Hypocalcemia and segregated with disease in at least two families (Gagliardi_2016, internal data). These data indicate that the variant is very likely to be associated with disease. The following publications have been ascertained in the context of this evaluation (PMID: 27177819). ClinVar contains an entry for this variant (Variation ID: 2203424). Based on the evidence outlined above, the variant was classified as pathogenic.

Labcorp Genetics (formerly Invitae), Labcorp
Classification: Pathogenic for Familial hypocalciuric hypercalcemia; Autosomal dominant hypocalcemia 1. Last evaluated: 2025-07-13. Review status: criteria provided, single submitter. Criteria: Invitae Variant Classification Sherloc (09022015). Collection method: clinical testing. Allele origin: germline.
Comment: This variant, c.2443_2445del, results in the deletion of 1 amino acid(s) of the CASR protein (p.Phe815del), but otherwise preserves the integrity of the reading frame. This variant is not present in population databases (gnomAD no frequency). This variant has been observed in individual(s) with and/or autosomal dominant hypocalciuric hypercalcemia (PMID: 27177819; internal data). It has also been observed to segregate with disease in related individuals. Invitae Evidence Modeling of clinical and family history, age, sex, and reported ancestry of multiple individuals with this CASR variant has been performed. This variant is expected to be pathogenic with a positive predictive value of at least 99%. This is a validated machine learning model that incorporates the clinical features of 646,172 individuals referred to our laboratory for CASR testing. Experimental studies and prediction algorithms are not available or were not evaluated, and the functional significance of this variant is currently unknown. For these reasons, this variant has been classified as Pathogenic.

Literature cited by the submitters: PubMed 27177819 (cited by Women's Health and Genetics/Laboratory Corporation of America, LabCorp and Labcorp Genetics (formerly Invitae), Labcorp).